The following is an entry in ClinVar:

NM_000419.5(ITGA2B):c.2806G>A (p.Val936Met)

Gene: ITGA2B (integrin subunit alpha 2b; minus strand). Cytogenetic location: 17q21.31.
Variant type: single nucleotide variant.
Coding change: c.2806G>A on transcript NM_000419.5 (MANE Select); coding-DNA position 2806, G replaced by A.
Protein change: p.Val936Met; replaces valine 936 with methionine.
Molecular consequence: missense variant.
Genome position (GRCh38, 1-based): chr17:44,375,033, C>T on the plus strand (G>A on the coding strand, the complement: ITGA2B is on the minus strand). VCF-style: chr17-44375033-C-T. GRCh37 (hg19) VCF-style: chr17-42452401-C-T.
Other names: short protein forms V936M.
Identifiers: ClinVar variation 3711825 (VCV003711825.2).

ClinVar aggregate classification (germline): Uncertain significance (1 of 4 stars; one submission).

Conditions:
Glanzmann thrombasthenia. Also called: Glanzmann's thrombasthenia; BLEEDING DISORDER, PLATELET-TYPE, 2; THROMBASTHENIA OF GLANZMANN AND NAEGELI; Thrombasthenia; PLATELET GLYCOPROTEIN IIb-IIIa DEFICIENCY. Identifiers: Orphanet 849, MedGen C0040015, MONDO:0100326.

gnomAD v4.1: 1 of 1,545,264 alleles (0.000065%); highest among the groups gnomAD compares: Admixed American, 0.002%; no homozygotes.

Submission:

Labcorp Genetics (formerly Invitae), Labcorp
Classification: Uncertain significance for Glanzmann thrombasthenia. Last evaluated: 2025-10-21. Review status: criteria provided, single submitter. Criteria: Invitae Variant Classification Sherloc (09022015). Collection method: clinical testing. Allele origin: germline.
Comment: This sequence change replaces valine, which is neutral and non-polar, with methionine, which is neutral and non-polar, at codon 936 of the ITGA2B protein (p.Val936Met). This variant is present in population databases (no rsID available, gnomAD 0.004%). This variant has not been reported in the literature in individuals affected with ITGA2B-related conditions. ClinVar contains an entry for this variant (Variation ID: 3711825). An algorithm developed to predict the effect of missense changes on protein structure and function outputs the following: PolyPhen-2: "Benign". The methionine amino acid residue is found in multiple mammalian species, which suggests that this missense change does not adversely affect protein function. In summary, the available evidence is currently insufficient to determine the role of this variant in disease. Therefore, it has been classified as a Variant of Uncertain Significance.